The following is an entry in ClinVar:

ClinVar aggregate classification (germline): Conflicting classifications of pathogenicity. Review status: criteria provided, conflicting classifications (1 of 4 stars). 3 submissions from 3 submitters: Uncertain significance (1); Likely benign (1). 1 of the submissions does not count toward it. Last evaluated 2025-09-21.

Conditions:
Primary ciliary dyskinesia. Also called: Ciliary dyskinesia. Identifiers: Orphanet 244, MedGen C0008780, MONDO:0016575, HP:0012265.

Allele frequency attached by ClinVar (database versions not stated): TOPMed 0.00063; ESP Exome Variant Server 0.00092; gnomAD exomes 0.00005 and 0.00016; ExAC 0.00017; gnomAD 0.00054 and 0.00059.
gnomAD v4.1: 154 of 1,614,046 alleles (0.0095%); highest among the groups gnomAD compares: African/African-American, 0.18%; 2 homozygotes.

Submissions (3):

Labcorp Genetics (formerly Invitae), Labcorp
Classification: Likely benign for Primary ciliary dyskinesia. Last evaluated: 2025-09-21. Review status: criteria provided, single submitter. Criteria: Invitae Variant Classification Sherloc (09022015). Collection method: clinical testing. Allele origin: germline.

Ambry Genetics
Classification: Uncertain significance for Primary ciliary dyskinesia. Last evaluated: 2018-06-22. Review status: criteria provided, single submitter. Criteria: Ambry Variant Classification Scheme 2023. Collection method: clinical testing. Allele origin: germline.
Comment: The p.H14Y variant (also known as c.40C>T), located in coding exon 1 of the DNAI1 gene, results from a C to T substitution at nucleotide position 40. The histidine at codon 14 is replaced by tyrosine, an amino acid with similar properties. This amino acid position is poorly conserved in available vertebrate species. In addition, this alteration is predicted to be tolerated by in silico analysis. Since supporting evidence is limited at this time, the clinical significance of this alteration remains unclear.

Natera, Inc.
Classification: Uncertain significance for Primary ciliary dyskinesia. Last evaluated: 2019-10-28. Review status: no assertion criteria provided. Collection method: clinical testing. Allele origin: germline. Not counted in ClinVar's aggregate classification.

NM_012144.4(DNAI1):c.40C>T (p.His14Tyr)

Gene: DNAI1 (dynein axonemal intermediate chain 1; plus strand). Cytogenetic location: 9p13.3.
Variant type: single nucleotide variant.
Coding change: c.40C>T on transcript NM_012144.4 (MANE Select); coding-DNA position 40, C replaced by T.
Protein change: p.His14Tyr; replaces histidine 14 with tyrosine.
Molecular consequence: missense variant.
Genome position (GRCh38, 1-based): chr9:34,459,045, C>T. VCF-style: chr9-34459045-C-T. GRCh37 (hg19) VCF-style: chr9-34459043-C-T.
Other names: c.40C>T (NM_012144.2); c.40C>T, p.His14Tyr (NM_001281428.2); short protein forms H14Y.
Identifiers: ClinVar variation 580210 (VCV000580210.15), dbSNP rs146501326, ClinGen allele CA5033876.